The following is an entry in ClinVar:

NM_003283.6(TNNT1):c.47-6C>G

Gene: TNNT1 (troponin T1, slow skeletal type; minus strand). Cytogenetic location: 19q13.42.
Variant type: single nucleotide variant.
Coding change: c.47-6C>G on transcript NM_003283.6 (MANE Select); 6 bases into the intron before coding-DNA position 47, C replaced by G.
Molecular consequence: intron variant.
Genome position (GRCh38, 1-based): chr19:55,146,713, G>C on the plus strand (C>G on the coding strand, the complement: TNNT1 is on the minus strand). VCF-style: chr19-55146713-G-C. GRCh37 (hg19) VCF-style: chr19-55658081-G-C.
Other names: c.47-6C>G (NM_001126133.3, NM_001126132.3, NM_001291774.2).
Identifiers: ClinVar variation 259031 (VCV000259031.28), dbSNP rs375682055, ClinGen allele CA9667633.

ClinVar aggregate classification (germline): Conflicting classifications of pathogenicity. Review status: criteria provided, conflicting classifications (1 of 4 stars). 5 submissions from 5 submitters: Uncertain significance (2); Likely benign (3). Last evaluated 2026-01-27.

Conditions:
Nemaline myopathy 5 (NEM5A). Also called: NEMALINE MYOPATHY, AMISH TYPE; Nemaline myopathy 5, Amish type; NEMALINE MYOPATHY 5A, AUTOSOMAL RECESSIVE, SEVERE INFANTILE. Identifiers: Orphanet 98902, MedGen C1854380, MONDO:0011539, OMIM 605355.

Allele frequency attached by ClinVar (database versions not stated): gnomAD 0.00003; 1000 Genomes Project 30x 0.00016; gnomAD exomes 0.00020 and 0.00021; TOPMed 0.00020; ESP Exome Variant Server 0.00030; ExAC 0.00056.
gnomAD v4.1: 339 of 1,509,046 alleles (0.022%); highest among the groups gnomAD compares: Non-Finnish European, 0.017%; no homozygotes.

Submissions (7):

Labcorp Genetics (formerly Invitae), Labcorp
Classification: Likely benign for Nemaline myopathy 5. Last evaluated: 2026-01-27. Review status: criteria provided, single submitter. Criteria: Invitae Variant Classification Sherloc (09022015). Collection method: clinical testing. Allele origin: germline.

CeGaT Center for Human Genetics Tuebingen
Classification: Likely benign. Last evaluated: 2025-03-01. Review status: criteria provided, single submitter. Criteria: CeGaT Center For Human Genetics Tuebingen Variant Classification Criteria Version 2. Collection method: clinical testing. Allele origin: germline. Affected: yes. Observed: 1 variant allele.
Comment: TNNT1: BP4

GeneDx
Classification: Uncertain significance. Last evaluated: 2020-01-08. Review status: criteria provided, single submitter. Criteria: GeneDx Variant Classification Process June 2021. Collection method: clinical testing. Allele origin: germline. Affected: yes.
Comment: In silico analysis, which includes splice predictors and evolutionary conservation, supports a deleterious effect; Has not been previously published as pathogenic or benign to our knowledge

Illumina Laboratory Services, Illumina
Classification: Uncertain significance for Nemaline myopathy 5. Last evaluated: 2018-01-13. Review status: criteria provided, single submitter. Criteria: ICSL Variant Classification Criteria 13 December 2019. Collection method: clinical testing. Allele origin: germline.

PreventionGenetics, part of Exact Sciences
Classification: Likely benign. Review status: criteria provided, single submitter. Criteria: ACMG Guidelines, 2015. Collection method: clinical testing. Allele origin: germline.

Dr. Peter K. Rogan Lab, Western University
No classification provided (evidence only). Condition: Ovarian serous cystadenocarcinoma. Review status: no classification provided. Collection method: in vitro. Allele origin: not applicable. Functional consequence: retained intron. Not counted in ClinVar's aggregate classification.

Dr. Peter K. Rogan Lab, Western University
No classification provided (evidence only). Condition: Ovarian serous cystadenocarcinoma. Review status: no classification provided. Collection method: in vitro. Allele origin: not applicable. Functional consequence: retained intron. Not counted in ClinVar's aggregate classification.